The following is an entry in ClinVar:

NM_001283009.2(RTEL1):c.3314C>T (p.Ala1105Val)

Genes: RTEL1 (regulator of telomere elongation helicase 1; plus strand), RTEL1-TNFRSF6B (RTEL1-TNFRSF6B readthrough (NMD candidate); plus strand). Cytogenetic location: 20q13.33.
Variant type: single nucleotide variant.
Coding change: c.3314C>T on transcript NM_001283009.2 (MANE Select); coding-DNA position 3314, C replaced by T.
Protein change: p.Ala1105Val; replaces alanine 1105 with valine.
Molecular consequence: missense variant. On other transcripts: non-coding transcript variant (1).
Genome position (GRCh38, 1-based): chr20:63,694,945, C>T. VCF-style: chr20-63694945-C-T. GRCh37 (hg19) VCF-style: chr20-62326298-C-T.
Other names: c.2645C>T, p.Ala882Val (NM_001283010.1); c.3314C>T, p.Ala1105Val (NM_016434.4); c.3386C>T, p.Ala1129Val (NM_032957.5); short protein forms A1105V, A1129V, A882V.
Identifiers: ClinVar variation 3948432 (VCV003948432.1).
Genomic context (GRCh38, chr20:63,694,945, plus strand): 5'-CCTATAAGCAAGACGACGACCTCGACAAGGTGCTGGCTGTGTTGGCCGCCCTGACCACTG[C>T]AAAGCCAGAGGACTTCCCCCTGCTGCACAGCAAGTGGCCCTGGCGTGGGGAACAGCCGGT-3'
Protein context (NP_001269938.1, residues 1095-1115): VLAVLAALTT[Ala1105Val]KPEDFPLLHR

ClinVar aggregate classification (germline): Uncertain significance (1 of 4 stars; one submission).

Conditions:
Inborn genetic diseases. Identifiers: MedGen C0950123, MeSH D030342.

gnomAD v4.1: 1 of 1,612,562 alleles (0.000062%); highest among the groups gnomAD compares: Non-Finnish European, 0.000085%; no homozygotes.

Submission:

Ambry Genetics
Classification: Uncertain significance for Inborn genetic diseases. Last evaluated: 2025-05-29. Review status: criteria provided, single submitter. Criteria: Ambry Variant Classification Scheme 2023. Collection method: clinical testing. Allele origin: germline.
Comment: The p.A1105V variant (also known as c.3314C>T), located in coding exon 31 of the RTEL1 gene, results from a C to T substitution at nucleotide position 3314. The alanine at codon 1105 is replaced by valine, an amino acid with similar properties. This amino acid position is conserved. In addition, this alteration is predicted to be tolerated by in silico analysis. Based on the available evidence, the clinical significance of this variant remains unclear.